The following is an entry in ClinVar:

ClinVar aggregate classification (germline): Uncertain significance (1 of 4 stars; one submission).

Conditions:
Waardenburg syndrome type 2A (WS2A). Also called: WAARDENBURG SYNDROME WITHOUT DYSTOPIA CANTHORUM. Identifiers: Orphanet 3440, MedGen C1860339, MONDO:0008671, OMIM 193510.
Tietz syndrome (TADS). Also called: ALBINISM-DEAFNESS OF TIETZ; HYPOPIGMENTATION/DEAFNESS OF TIETZ; TIETZ ALBINISM-DEAFNESS SYNDROME. Identifiers: Orphanet 42665, MedGen C0391816, MONDO:0007077, OMIM 103500.
Melanoma, cutaneous malignant, susceptibility to, 8. Also called: MELANOMA AND RENAL CELL CARCINOMA, SUSCEPTIBILITY TO; Cutaneous malignant melanoma 8. Identifiers: Orphanet 293822, MedGen C3152204, MONDO:0013759, OMIM 614456.

Submission:

Labcorp Genetics (formerly Invitae), Labcorp
Classification: Uncertain significance for Melanoma, cutaneous malignant, susceptibility to, 8; Waardenburg syndrome type 2A; Tietz syndrome. Last evaluated: 2024-11-17. Review status: criteria provided, single submitter. Criteria: Invitae Variant Classification Sherloc (09022015). Collection method: clinical testing. Allele origin: germline.
Comment: This sequence change replaces glutamic acid, which is acidic and polar, with aspartic acid, which is acidic and polar, at codon 133 of the MITF protein (p.Glu133Asp). This variant is not present in population databases (gnomAD no frequency). This variant has not been reported in the literature in individuals affected with MITF-related conditions. Invitae Evidence Modeling of protein sequence and biophysical properties (such as structural, functional, and spatial information, amino acid conservation, physicochemical variation, residue mobility, and thermodynamic stability) indicates that this missense variant is not expected to disrupt MITF protein function with a negative predictive value of 80%. In summary, the available evidence is currently insufficient to determine the role of this variant in disease. Therefore, it has been classified as a Variant of Uncertain Significance.

NM_001354604.2(MITF):c.720A>T (p.Glu240Asp)

Gene: MITF (melanocyte inducing transcription factor; plus strand). Cytogenetic location: 3p13.
Variant type: single nucleotide variant.
Coding change: c.720A>T on transcript NM_001354604.2 (MANE Select); coding-DNA position 720, A replaced by T.
Protein change: p.Glu240Asp; replaces glutamic acid 240 with aspartic acid.
Molecular consequence: missense variant.
Genome position (GRCh38, 1-based): chr3:69,941,289, A>T. VCF-style: chr3-69941289-A-T. GRCh37 (hg19) VCF-style: chr3-69990440-A-T.
Other names: c.399A>T, p.Glu133Asp (NM_000248.4, NM_198158.3); c.564A>T, p.Glu188Asp (NM_001184967.2, NM_001354608.2); c.717A>T, p.Glu239Asp (NM_001354605.2, NM_001354606.2, NM_006722.3); c.669A>T, p.Glu223Asp (NM_001354607.2); c.720A>T, p.Glu240Asp (NM_198159.3); c.672A>T, p.Glu224Asp (NM_198177.3); c.231A>T, p.Glu77Asp (NM_198178.3); short protein forms E133D, E188D, E223D, E224D, E239D, E240D, E77D.
Identifiers: ClinVar variation 3754649 (VCV003754649.2).
Genomic context (GRCh38, chr3:69,941,289, plus strand): 5'-CCTACAGATGGATGATGTAATCGATGACATCATTAGCCTAGAATCAAGTTATAATGAGGA[A>T]ATCTTGGGCTTGATGGATCCTGCTTTGCAAATGGCAAATACGGTATTGATAACCTTTTTT-3'
Protein context (NP_001341533.1, residues 230-250): IISLESSYNE[Glu240Asp]ILGLMDPALQ